The following is an entry in ClinVar:

ClinVar aggregate classification (germline): Uncertain significance (1 of 4 stars; one submission).

Conditions:
Tuberous sclerosis 1 (TSC1). Identifiers: Orphanet 805, MedGen C1854465, MONDO:0008612, OMIM 191100.

Submission:

Labcorp Genetics (formerly Invitae), Labcorp
Classification: Uncertain significance for Tuberous sclerosis 1. Last evaluated: 2023-08-18. Review status: criteria provided, single submitter. Criteria: Invitae Variant Classification Sherloc (09022015). Collection method: clinical testing. Allele origin: germline.
Comment: Advanced modeling of protein sequence and biophysical properties (such as structural, functional, and spatial information, amino acid conservation, physicochemical variation, residue mobility, and thermodynamic stability) performed at Invitae indicates that this missense variant is not expected to disrupt TSC1 protein function. This variant has not been reported in the literature in individuals affected with TSC1-related conditions. This variant is not present in population databases (gnomAD no frequency). This sequence change replaces isoleucine, which is neutral and non-polar, with phenylalanine, which is neutral and non-polar, at codon 580 of the TSC1 protein (p.Ile580Phe). In summary, the available evidence is currently insufficient to determine the role of this variant in disease. Therefore, it has been classified as a Variant of Uncertain Significance.

NM_000368.5(TSC1):c.1738A>T (p.Ile580Phe)

Gene: TSC1 (TSC complex subunit 1; minus strand). Cytogenetic location: 9q34.13.
Variant type: single nucleotide variant.
Coding change: c.1738A>T on transcript NM_000368.5 (MANE Select); coding-DNA position 1738, A replaced by T.
Protein change: p.Ile580Phe; replaces isoleucine 580 with phenylalanine.
Molecular consequence: missense variant. On other transcripts: non-coding transcript variant (5).
Genome position (GRCh38, 1-based): chr9:132,905,840, T>A on the plus strand (A>T on the coding strand, the complement: TSC1 is on the minus strand). VCF-style: chr9-132905840-T-A. GRCh37 (hg19) VCF-style: chr9-135781227-T-A.
Other names: c.1375A>T, p.Ile459Phe (NM_001406619.1, NM_001406624.1, NM_001362177.2 and 5 more transcripts); c.1372A>T, p.Ile458Phe (NM_001406620.1, NM_001406621.1, NM_001406622.1 and 2 more transcripts); c.787A>T, p.Ile263Phe (NM_001406626.1); c.784A>T, p.Ile262Phe (NM_001406627.1, NM_001406628.1); c.685A>T, p.Ile229Phe (NM_001406629.1, NM_001406630.1); c.1735A>T, p.Ile579Phe (NM_001162426.2, NM_001406597.1, NM_001406598.1 and 6 more transcripts); c.1585A>T, p.Ile529Phe (NM_001162427.2, NM_001406610.1); c.1738A>T, p.Ile580Phe (NM_001406592.1, NM_001406593.1, NM_001406594.1 and 7 more transcripts); and 1 more; short protein forms I262F, I458F, I459F, I528F, I579F, I229F, I263F, I580F.
Identifiers: ClinVar variation 2753677 (VCV002753677.3), dbSNP rs1179358967, ClinGen allele CA375363879.